The following is an entry in ClinVar:

NM_001035.3(RYR2):c.10193T>C (p.Met3398Thr)

Gene: RYR2 (ryanodine receptor 2; plus strand). Cytogenetic location: 1q43.
Variant type: single nucleotide variant.
Coding change: c.10193T>C on transcript NM_001035.3 (MANE Select); coding-DNA position 10193, T replaced by C.
Protein change: p.Met3398Thr; replaces methionine 3398 with threonine.
Molecular consequence: missense variant.
Genome position (GRCh38, 1-based): chr1:237,709,530, T>C. VCF-style: chr1-237709530-T-C. GRCh37 (hg19) VCF-style: chr1-237872830-T-C.
Other names: c.10193T>C (NM_001035.2); short protein forms M3398T.
Identifiers: ClinVar variation 3073703 (VCV003073703.3), dbSNP rs2547416493, ClinGen allele CA345411684.
Genomic context (GRCh38, chr1:237,709,530, plus strand): 5'-TGTGATCCAGGGCAAAGTGGCTAAAGGAGCCTAACCCAGAAGCAGAGGAGCTCTTCCGCA[T>C]GGTGGCTGAAGTGTTTATCTACTGGTCGAAGTCCCATGTGAGTGTGAAAATATTGATAGA-3'
Protein context (NP_001026.2, residues 3388-3408): PNPEAEELFR[Met3398Thr]VAEVFIYWSK

ClinVar aggregate classification (germline): Uncertain significance. Review status: criteria provided, multiple submitters, no conflicts (2 of 4 stars). 3 submissions from 3 submitters: Uncertain significance (3). Last evaluated 2024-01-24.

Conditions:
Cardiomyopathy (CMYO). Also called: Cardiomyopathies. Identifiers: Orphanet 167848, MedGen C0878544, MONDO:0004994, HP:0001638. Inheritance: Various modes of inheritance.
Catecholaminergic polymorphic ventricular tachycardia (CVPT). Also called: Catecholamine-induced polymorphic ventricular tachycardia. Identifiers: Orphanet 3286, MedGen C5574922, MONDO:0017990.
Cardiovascular phenotype. Identifiers: MedGen CN230736.

Allele frequency attached by ClinVar (database versions not stated): gnomAD exomes below 0.00001.
gnomAD v4.1: 1 of 1,612,258 alleles (0.000062%); no homozygotes.

Submissions (3):

Ambry Genetics
Classification: Uncertain significance for Cardiovascular phenotype. Last evaluated: 2024-01-24. Review status: criteria provided, single submitter. Criteria: Ambry Variant Classification Scheme 2023. Collection method: clinical testing. Allele origin: germline.
Comment: The p.M3398T variant (also known as c.10193T>C), located in coding exon 70 of the RYR2 gene, results from a T to C substitution at nucleotide position 10193. The methionine at codon 3398 is replaced by threonine, an amino acid with similar properties. This amino acid position is highly conserved in available vertebrate species. In addition, the in silico prediction for this alteration is inconclusive. Based on the available evidence, the clinical significance of this alteration remains unclear.

All of Us Research Program, National Institutes of Health
Classification: Uncertain significance for Catecholaminergic polymorphic ventricular tachycardia. Last evaluated: 2023-10-06. Review status: criteria provided, single submitter. Criteria: ACMG Guidelines, 2015. Collection method: clinical testing. Allele origin: germline. Inheritance: Autosomal dominant inheritance. Observed: 1 variant allele, 1 heterozygote.
Comment: This missense variant replaces methionine with threonine at codon 3398 of the RYR2 protein. Computational prediction suggests that this variant may have deleterious impact on protein structure and function (internally defined REVEL score threshold >= 0.7, PMID: 27666373). To our knowledge, functional studies have not been reported for this variant. This variant has not been reported in individuals affected with RYR2-related disorders in the literature. This variant has not been identified in the general population by the Genome Aggregation Database (gnomAD). The available evidence is insufficient to determine the role of this variant in disease conclusively. Therefore, this variant is classified as a Variant of Uncertain Significance.

This study involves interpretation of variants in research participants for the purpose of population health screening. Participant phenotype was not available at the time of variant classification. Additional details can be found in publication PMID: 35346344, PMCID: PMC8962531

Color Diagnostics, LLC DBA Color Health
Classification: Uncertain significance for Cardiomyopathy. Last evaluated: 2023-09-20. Review status: criteria provided, single submitter. Criteria: ACMG Guidelines, 2015. Collection method: clinical testing. Allele origin: germline.
Comment: This missense variant replaces methionine with threonine at codon 3398 of the RYR2 protein. Computational prediction suggests that this variant may have deleterious impact on protein structure and function. To our knowledge, functional studies have not been reported for this variant. This variant has not been reported in individuals affected with RYR2-related disorders in the literature. This variant has not been identified in the general population by the Genome Aggregation Database (gnomAD). The available evidence is insufficient to determine the role of this variant in disease conclusively. Therefore, this variant is classified as a Variant of Uncertain Significance.